The following is an entry in ClinVar:

ClinVar aggregate classification (germline): Benign. Review status: criteria provided, multiple submitters, no conflicts (2 of 4 stars). 2 submissions from 2 submitters: Benign (2). Last evaluated 2026-02-03.

Conditions:
Diaphanospondylodysostosis. Also called: VERTEBRAL OSSIFICATION, DEFECT IN, WITH NEPHROGENIC RESTS. Identifiers: Orphanet 66637, MedGen C1842691, MONDO:0011946, OMIM 608022.

Allele frequency attached by ClinVar (database versions not stated): gnomAD exomes 0.00203; ExAC 0.00253; gnomAD 0.00747 and 0.00804; TOPMed 0.00827; ESP Exome Variant Server 0.00877; 1000 Genomes Project 0.00919; 1000 Genomes Project 30x 0.00968.
gnomAD v4.1: 2,268 of 1,614,084 alleles (0.14%); highest among the groups gnomAD compares: African/African-American, 2.5%; 24 homozygotes.

Submissions (5):

Labcorp Genetics (formerly Invitae), Labcorp
Classification: Benign. Last evaluated: 2026-02-03. Review status: criteria provided, single submitter. Criteria: Invitae Variant Classification Sherloc (09022015). Collection method: clinical testing. Allele origin: germline.

Illumina Laboratory Services, Illumina
Classification: Benign for Diaphanospondylodysostosis. Last evaluated: 2018-01-13. Review status: criteria provided, single submitter. Criteria: ICSL Variant Classification Criteria 13 December 2019. Collection method: clinical testing. Allele origin: germline.
Comment: This variant was observed in the ICSL laboratory as part of a predisposition screen in an ostensibly healthy population. It had not been previously curated by ICSL or reported in the Human Gene Mutation Database (HGMD: prior to June 1st, 2018), and was therefore a candidate for classification through an automated scoring system. Utilizing variant allele frequency, disease prevalence and penetrance estimates, and inheritance mode, an automated score was calculated to assess if this variant is too frequent to cause the disease. Based on the score and internal cut-off values, a variant classified as benign is not then subjected to further curation. The score for this variant resulted in a classification of benign for this disease.

Dr. Peter K. Rogan Lab, Western University
No classification provided (evidence only). Condition: Sarcoma. Review status: no classification provided. Collection method: in vitro. Allele origin: not applicable. Functional consequence: skipped exon. Not counted in ClinVar's aggregate classification.

Dr. Peter K. Rogan Lab, Western University
No classification provided (evidence only). Condition: Hepatocellular carcinoma. Review status: no classification provided. Collection method: in vitro. Allele origin: not applicable. Functional consequence: retained intron. Not counted in ClinVar's aggregate classification.

Dr. Peter K. Rogan Lab, Western University
No classification provided (evidence only). Condition: Hepatocellular carcinoma. Review status: no classification provided. Collection method: in vitro. Allele origin: not applicable. Functional consequence: retained intron. Not counted in ClinVar's aggregate classification.

NM_001365308.1(BMPER):c.1086C>T (p.Gly362=)

Gene: BMPER (BMP binding endothelial regulator; plus strand). Cytogenetic location: 7p14.3.
Variant type: single nucleotide variant.
Coding change: c.1086C>T on transcript NM_001365308.1 (MANE Select); coding-DNA position 1086, C replaced by T.
Protein change: p.Gly362=; no amino-acid change (glycine 362 retained).
Molecular consequence: synonymous variant.
Genome position (GRCh38, 1-based): chr7:34,078,864, C>T. VCF-style: chr7-34078864-C-T. GRCh37 (hg19) VCF-style: chr7-34118476-C-T.
Other names: c.1086C>T, p.Gly362= (NM_133468.5).
Identifiers: ClinVar variation 360107 (VCV000360107.15), dbSNP rs116085783, ClinGen allele CA4215300.